The following is an entry in ClinVar:

ClinVar aggregate classification (germline): Uncertain significance (1 of 4 stars; one submission).

Submission:

Labcorp Genetics (formerly Invitae), Labcorp
Classification: Uncertain significance. Last evaluated: 2022-05-29. Review status: criteria provided, single submitter. Criteria: Invitae Variant Classification Sherloc (09022015). Collection method: clinical testing. Allele origin: germline.
Comment: A copy number gain of the genomic region encompassing the full coding sequence of the PIGB gene has been identified. The boundaries of this event are unknown as they extend beyond the assayed region for this gene and therefore may encompass additional genes. As the precise location of this event is unknown, it may be in tandem or it may be located elsewhere in the genome. This variant has not been reported in the literature in individuals affected with PIGB-related conditions. In summary, the available evidence is currently insufficient to determine the role of this variant in disease. Therefore, it has been classified as a Variant of Uncertain Significance.

NC_000015.9:g.(?_55611449)_(55647630_?)dup

Genes: CCPG1 (cell cycle progression 1; minus strand), PIGB (phosphatidylinositol glycan anchor biosynthesis class B; plus strand). Cytogenetic location: 15q21.3.
Variant type: Duplication.
Identifiers: ClinVar variation 2425235 (VCV002425235.3).